The following is an entry in ClinVar:

NM_022124.6(CDH23):c.9634G>A (p.Gly3212Ser)

Gene: CDH23 (cadherin related 23; plus strand). Cytogenetic location: 10q22.1.
Variant type: single nucleotide variant.
Coding change: c.9634G>A on transcript NM_022124.6 (MANE Select); coding-DNA position 9634, G replaced by A.
Protein change: p.Gly3212Ser; replaces glycine 3212 with serine.
Molecular consequence: missense variant. On other transcripts: intron variant (2).
Genome position (GRCh38, 1-based): chr10:71,813,244, G>A. VCF-style: chr10-71813244-G-A. GRCh37 (hg19) VCF-style: chr10-73573001-G-A.
Other names: c.2914G>A, p.Gly972Ser (NM_001171933.1); c.325G>A, p.Gly109Ser (NM_001171935.1); c.2913+354G>A (NM_001171934.1); c.324+354G>A (NM_001171936.1); short protein forms G109S, G3212S, G972S.
Identifiers: ClinVar variation 2640573 (VCV002640573.24), dbSNP rs1842002891, ClinGen allele CA377137202.

ClinVar aggregate classification (germline): Uncertain significance (1 of 4 stars; one submission).

gnomAD v4.1: 1 of 1,551,554 alleles (0.000064%); highest among the groups gnomAD compares: Non-Finnish European, 0.000087%; no homozygotes.

Submission:

CeGaT Center for Human Genetics Tuebingen
Classification: Uncertain significance. Last evaluated: 2023-01-01. Review status: criteria provided, single submitter. Criteria: CeGaT Center For Human Genetics Tuebingen Variant Classification Criteria Version 2. Collection method: clinical testing. Allele origin: germline. Affected: yes. Observed: 1 variant allele.
Comment: CDH23: PM2, PP3